The following is an entry in ClinVar:

NM_000059.4(BRCA2):c.7169del (p.Asn2390fs)

Gene: BRCA2 (BRCA2 DNA repair associated; plus strand). Cytogenetic location: 13q13.1.
Variant type: Deletion.
Coding change: c.7169del on transcript NM_000059.4 (MANE Select); coding-DNA position 7169, one base deleted (A; older notation c.7169delA).
Protein change: p.Asn2390fs; shifts the reading frame from asparagine 2390.
Molecular consequence: frameshift variant. On other transcripts: non-coding transcript variant (1).
Genome position (GRCh38, 1-based): chr13:32,355,022, A deleted; the last of 3 consecutive A bases (chr13:32,355,020-32,355,022); deleting any one gives the same sequence. VCF-style (leftmost placement, unchanged base first): chr13-32355019-GA-G. GRCh37 (hg19) VCF-style: chr13-32929156-GA-G.
Other names: c.7073del, p.Asn2358fs (NM_001406719.1); c.7169del, p.Asn2390fs (NM_001406720.1, NM_001432077.1); c.2237del, p.Asn746fs (NM_001406721.1); c.752del, p.Asn251fs (NM_001406722.1); short protein forms N251fs, N2358fs, N2390fs, N746fs.
Identifiers: ClinVar variation 3482081 (VCV003482081.1).

ClinVar aggregate classification (germline): Pathogenic (1 of 4 stars; one submission).

Conditions:
Hereditary cancer-predisposing syndrome. Also called: Tumor predisposition; Neoplastic Syndromes, Hereditary; Hereditary Cancer Syndrome; Hereditary neoplastic syndrome. Identifiers: Orphanet 140162, MedGen C0027672, MeSH D009386, MONDO:0015356.

Submission:

Ambry Genetics
Classification: Pathogenic for Hereditary cancer-predisposing syndrome. Last evaluated: 2024-09-21. Review status: criteria provided, single submitter. Criteria: Ambry Variant Classification Scheme 2023. Collection method: clinical testing. Allele origin: germline.
Comment: The c.7169delA pathogenic mutation, located in coding exon 13 of the BRCA2 gene, results from a deletion of one nucleotide at nucleotide position 7169, causing a translational frameshift with a predicted alternate stop codon (p.N2390Mfs*4). This variant is considered to be rare based on population cohorts in the Genome Aggregation Database (gnomAD). This alteration is expected to result in loss of function by premature protein truncation or nonsense-mediated mRNA decay. As such, this alteration is interpreted as a disease-causing mutation.